The following is an entry in ClinVar:

NM_018486.3(HDAC8):c.438-15C>T

Gene: HDAC8 (histone deacetylase 8; minus strand). Cytogenetic location: Xq13.1.
Variant type: single nucleotide variant.
Coding change: c.438-15C>T on transcript NM_018486.3 (MANE Select); 15 bases into the intron before coding-DNA position 438, C replaced by T.
Molecular consequence: intron variant.
Genome position (GRCh38, 1-based): chrX:72,495,283, G>A on the plus strand (C>T on the coding strand, the complement: HDAC8 is on the minus strand). VCF-style: chrX-72495283-G-A. GRCh37 (hg19) VCF-style: chrX-71715133-G-A.
Other names: c.165-15C>T (NM_001166418.2, NM_001166448.2); c.438-15C>T (NM_001166419.2).
Identifiers: ClinVar variation 158662 (VCV000158662.16), dbSNP rs72630048, ClinGen allele CA172284.

ClinVar aggregate classification (germline): Benign. Review status: criteria provided, multiple submitters, no conflicts (2 of 4 stars). 6 submissions from 6 submitters: Benign (6). Last evaluated 2026-02-03.

Conditions:
Cornelia de Lange syndrome 5 (CDLS5). Also called: HDAC8-Related Cornelia de Lange Syndrome. Identifiers: Orphanet 199, MedGen C3550903, MONDO:0010471, OMIM 300882.

Allele frequency attached by ClinVar (database versions not stated): ESP Exome Variant Server 0.02234; gnomAD exomes 0.05162 and 0.14052; gnomAD 0.05226 and 0.06392; TOPMed 0.08470; ExAC 0.15209; 1000 Genomes Project 30x 0.22206; 1000 Genomes Project 0.23417.
gnomAD v4.1: 60,045 of 1,122,577 alleles (5.3%); highest among the groups gnomAD compares: East Asian, 76%; 9,177 homozygotes.

Submissions (6):

Labcorp Genetics (formerly Invitae), Labcorp
Classification: Benign for Cornelia de Lange syndrome 5. Last evaluated: 2026-02-03. Review status: criteria provided, single submitter. Criteria: Invitae Variant Classification Sherloc (09022015). Collection method: clinical testing. Allele origin: germline.

Blueprint Genetics
Classification: Benign. Last evaluated: 2024-11-27. Review status: criteria provided, single submitter. Criteria: ACMG Guidelines, 2015. Collection method: clinical testing. Allele origin: germline.

GeneDx
Classification: Benign. Last evaluated: 2017-04-22. Review status: criteria provided, single submitter. Criteria: GeneDx Variant Classification (06012015). Collection method: clinical testing. Allele origin: germline. Affected: yes.
Comment: This variant is considered likely benign or benign based on one or more of the following criteria: it is a conservative change, it occurs at a poorly conserved position in the protein, it is predicted to be benign by multiple in silico algorithms, and/or has population frequency not consistent with disease.

Genetic Services Laboratory, University of Chicago
Classification: Benign. Last evaluated: 2013-02-08. Review status: criteria provided, single submitter. Criteria: ACMG Guidelines, 2007. Collection method: clinical testing. Allele origin: germline. Inheritance: X-linked inheritance.

Breakthrough Genomics
Classification: Benign. Review status: criteria provided, single submitter. Criteria: ACMG Guidelines, 2015. Collection method: not provided. Allele origin: germline. Inheritance: X-linked inheritance. Affected: yes.

PreventionGenetics, part of Exact Sciences
Classification: Benign. Review status: criteria provided, single submitter. Criteria: ACMG Guidelines, 2015. Collection method: clinical testing. Allele origin: germline.